The following is an entry in ClinVar:

ClinVar aggregate classification (germline): Conflicting classifications of pathogenicity. Review status: criteria provided, conflicting classifications (1 of 4 stars). 3 submissions from 3 submitters: Likely pathogenic (1); Uncertain significance (2). Last evaluated 2025-07-07.

Conditions:
Glycogen storage disease, type V (GSD5). Also called: MCARDLE DISEASE; MUSCLE GLYCOGEN PHOSPHORYLASE DEFICIENCY; MYOPHOSPHORYLASE DEFICIENCY; PYGM DEFICIENCY; McArdle type glycogen storage disease. Identifiers: Orphanet 368, MedGen C0017924, MONDO:0009293, OMIM 232600.
Tip-toe gait. Also called: Toe walking. Identifiers: MedGen C0427144, HP:0030051.

Allele frequency attached by ClinVar (database versions not stated): gnomAD exomes 0.00001 and 0.00002; TOPMed 0.00001; ExAC 0.00004; gnomAD 0.00001.
gnomAD v4.1: 12 of 1,608,604 alleles (0.00075%); highest among the groups gnomAD compares: South Asian, 0.0066%; no homozygotes.

Submissions (3):

Practice for Gait Abnormalities, David Pomarino, Competency Network Toe Walking C/o Practice Pomarino
Classification: Likely pathogenic for Tip-toe gait. Last evaluated: 2025-07-07. Review status: criteria provided, single submitter. Criteria: Pomarino et al. (J Musculoskelet Neuronal Interact. 2026). Collection method: clinical testing. Allele origin: germline. Affected: yes.

Labcorp Genetics (formerly Invitae), Labcorp
Classification: Uncertain significance for Glycogen storage disease, type V. Last evaluated: 2024-12-16. Review status: criteria provided, single submitter. Criteria: Invitae Variant Classification Sherloc (09022015). Collection method: clinical testing. Allele origin: germline.
Comment: This sequence change replaces arginine, which is basic and polar, with glutamine, which is neutral and polar, at codon 427 of the PYGM protein (p.Arg427Gln). This variant is present in population databases (rs756303162, gnomAD 0.01%). This variant has not been reported in the literature in individuals affected with PYGM-related conditions. ClinVar contains an entry for this variant (Variation ID: 1209785). Invitae Evidence Modeling of protein sequence and biophysical properties (such as structural, functional, and spatial information, amino acid conservation, physicochemical variation, residue mobility, and thermodynamic stability) indicates that this missense variant is not expected to disrupt PYGM protein function with a negative predictive value of 80%. In summary, the available evidence is currently insufficient to determine the role of this variant in disease. Therefore, it has been classified as a Variant of Uncertain Significance.

Genome-Nilou Lab
Classification: Uncertain significance for Glycogen storage disease, type V. Last evaluated: 2021-07-22. Review status: criteria provided, single submitter. Criteria: ACMG Guidelines, 2015. Collection method: clinical testing. Allele origin: germline. Affected: no.

NM_005609.4(PYGM):c.1280G>A (p.Arg427Gln)

Gene: PYGM (glycogen phosphorylase, muscle associated; minus strand). Cytogenetic location: 11q13.1.
Variant type: single nucleotide variant.
Coding change: c.1280G>A on transcript NM_005609.4 (MANE Select); coding-DNA position 1280, G replaced by A.
Protein change: p.Arg427Gln; replaces arginine 427 with glutamine.
Molecular consequence: missense variant.
Genome position (GRCh38, 1-based): chr11:64,753,642, C>T on the plus strand (G>A on the coding strand, the complement: PYGM is on the minus strand). VCF-style: chr11-64753642-C-T. GRCh37 (hg19) VCF-style: chr11-64521114-C-T.
Other names: c.1016G>A, p.Arg339Gln (NM_001164716.1); c.1280G>A (NM_005609.3); short protein forms R339Q, R427Q.
Identifiers: ClinVar variation 1209785 (VCV001209785.8), dbSNP rs756303162, ClinGen allele CA6079924.